The following is an entry in ClinVar:

NM_002382.5(MAX):c.296-13G>C

Gene: MAX (MYC associated transcriptional regulator X; minus strand). Cytogenetic location: 14q23.3.
Variant type: single nucleotide variant.
Coding change: c.296-13G>C on transcript NM_002382.5 (MANE Select); 13 bases into the intron before coding-DNA position 296, G replaced by C.
Molecular consequence: intron variant.
Genome position (GRCh38, 1-based): chr14:65,076,676, C>G on the plus strand (G>C on the coding strand, the complement: MAX is on the minus strand). VCF-style: chr14-65076676-C-G. GRCh37 (hg19) VCF-style: chr14-65543394-C-G.
Other names: c.144+17032G>C (NM_001271069.2); c.171+17032G>C (NM_197957.4); c.269-13G>C (NM_145112.3); c.107-13G>C (NM_001320415.2); c.*85-13G>C (NM_145113.3).
Identifiers: ClinVar variation 1655169 (VCV001655169.10), dbSNP rs765385240, ClinGen allele CA7232814.

ClinVar aggregate classification (germline): Likely benign. Review status: criteria provided, multiple submitters, no conflicts (2 of 4 stars). 3 submissions from 3 submitters: Likely benign (3). Last evaluated 2026-06-08.

Conditions:
Pheochromocytoma. Also called: MAX-Related Hereditary Paraganglioma-Pheochromocytoma Syndrome. Identifiers: Orphanet 29072, MedGen C0031511, MONDO:0008233, OMIM 171300, HP:0002666.
Hereditary pheochromocytoma and paraganglioma. Also called: Hereditary paragangliomas and pheochromocytomas; Hereditary pheochromocytoma-paraganglioma; Hereditary Paraganglioma-Pheochromocytoma Syndromes. Identifiers: Orphanet 29072, MedGen C4274332, MONDO:0017366.

Allele frequency attached by ClinVar (database versions not stated): ExAC 0.00001; gnomAD exomes 0.00001 and 0.00002; TOPMed 0.00001.
gnomAD v4.1: 21 of 1,614,146 alleles (0.0013%); highest among the groups gnomAD compares: Non-Finnish European, 0.0015%; no homozygotes.

Submissions (3):

Myriad Genetics, Inc.
Classification: Likely benign for Pheochromocytoma. Last evaluated: 2026-06-08. Review status: criteria provided, single submitter. Criteria: Myriad Autosomal Dominant, Autosomal Recessive and X-Linked Classification Criteria (2023). Collection method: clinical testing. Allele origin: unknown.
Comment: This variant is considered likely benign. This variant is intronic and is not expected to impact mRNA splicing.

Labcorp Genetics (formerly Invitae), Labcorp
Classification: Likely benign for Hereditary pheochromocytoma and paraganglioma. Last evaluated: 2026-01-09. Review status: criteria provided, single submitter. Criteria: Invitae Variant Classification Sherloc (09022015). Collection method: clinical testing. Allele origin: germline.

Blueprint Genetics
Classification: Likely benign. Last evaluated: 2024-06-19. Review status: criteria provided, single submitter. Criteria: ACMG Guidelines, 2015. Collection method: clinical testing. Allele origin: germline.